The following is an entry in ClinVar:

ClinVar aggregate classification (germline): Likely benign (1 of 4 stars; one submission).

Allele frequency attached by ClinVar (database versions not stated): TOPMed 0.00028; gnomAD 0.00046; gnomAD exomes 0.00122; 1000 Genomes Project 0.00160; 1000 Genomes Project 30x 0.00172; ExAC 0.00494.
gnomAD v4.1: 723 of 702,928 alleles (0.1%); highest among the groups gnomAD compares: South Asian, 0.73%; 10 homozygotes.

Submission:

CeGaT Center for Human Genetics Tuebingen
Classification: Likely benign. Last evaluated: 2022-06-01. Review status: criteria provided, single submitter. Criteria: CeGaT Center For Human Genetics Tuebingen Variant Classification Criteria Version 2. Collection method: clinical testing. Allele origin: germline. Affected: yes. Observed: 1 variant allele.
Comment: MEIOSIN: BP4, BP7

NM_001310124.2(MEIOSIN):c.513G>A (p.Gly171=)

Gene: MEIOSIN (meiosis initiator; plus strand). Cytogenetic location: 19q13.32.
Variant type: single nucleotide variant.
Coding change: c.513G>A on transcript NM_001310124.2 (MANE Select); coding-DNA position 513, G replaced by A.
Protein change: p.Gly171=; no amino-acid change (glycine 171 retained).
Molecular consequence: synonymous variant.
Genome position (GRCh38, 1-based): chr19:45,753,745, G>A. VCF-style: chr19-45753745-G-A. GRCh37 (hg19) VCF-style: chr19-46257003-G-A.
Identifiers: ClinVar variation 2650123 (VCV002650123.24), dbSNP rs560804164, ClinGen allele CA9520275.